The following is an entry in ClinVar:

NM_003235.5(TG):c.5906C>T (p.Pro1969Leu)

Gene: TG (thyroglobulin; plus strand). Cytogenetic location: 8q24.22.
Variant type: single nucleotide variant.
Coding change: c.5906C>T on transcript NM_003235.5 (MANE Select); coding-DNA position 5906, C replaced by T.
Protein change: p.Pro1969Leu; replaces proline 1969 with leucine.
Molecular consequence: missense variant.
Genome position (GRCh38, 1-based): chr8:132,969,500, C>T. VCF-style: chr8-132969500-C-T. GRCh37 (hg19) VCF-style: chr8-133981745-C-T.
Other names: short protein forms P1969L.
Identifiers: ClinVar variation 2294991 (VCV002294991.3), dbSNP rs368355594, ClinGen allele CA4884675.

ClinVar aggregate classification (germline): Uncertain significance. Review status: criteria provided, multiple submitters, no conflicts (2 of 4 stars). 2 submissions from 2 submitters: Uncertain significance (2). Last evaluated 2022-11-22.

Conditions:
Inborn genetic diseases. Identifiers: MedGen C0950123, MeSH D030342.

Allele frequency attached by ClinVar (database versions not stated): ESP Exome Variant Server 0.00008; ExAC 0.00010; gnomAD 0.00010.
gnomAD v4.1: 105 of 1,613,800 alleles (0.0065%); highest among the groups gnomAD compares: Middle Eastern, 0.016%; 1 homozygote.

Submissions (2):

Ambry Genetics
Classification: Uncertain significance for Inborn genetic diseases. Last evaluated: 2022-11-22. Review status: criteria provided, single submitter. Criteria: Ambry Variant Classification Scheme 2023. Collection method: clinical testing. Allele origin: germline.

GeneDx
Classification: Uncertain significance. Last evaluated: 2022-08-23. Review status: criteria provided, single submitter. Criteria: GeneDx Variant Classification Process June 2021. Collection method: clinical testing. Allele origin: germline. Affected: yes.
Comment: In silico analysis supports that this missense variant has a deleterious effect on protein structure/function; Has not been previously published as pathogenic or benign to our knowledge